The following is an entry in ClinVar:

NM_001353345.2(SETD1B):c.4678G>A (p.Val1560Ile)

Gene: SETD1B (SET domain containing 1B, histone lysine methyltransferase; plus strand). Cytogenetic location: 12q24.31.
Variant type: single nucleotide variant.
Coding change: c.4678G>A on transcript NM_001353345.2 (MANE Select); coding-DNA position 4678, G replaced by A.
Protein change: p.Val1560Ile; replaces valine 1560 with isoleucine.
Molecular consequence: missense variant.
Genome position (GRCh38, 1-based): chr12:121,823,257, G>A. VCF-style: chr12-121823257-G-A. GRCh37 (hg19) VCF-style: chr12-122261163-G-A.
Other names: NM_015048.1:c.4549G>A; short protein forms V1560I.
Identifiers: ClinVar variation 2578695 (VCV002578695.27), dbSNP rs200570124, ClinGen allele CA6839208.

ClinVar aggregate classification (germline): Likely benign. Review status: criteria provided, multiple submitters, no conflicts (2 of 4 stars). 3 submissions from 3 submitters: Likely benign (2). 1 of the submissions does not count toward it. Last evaluated 2026-08-01.

Conditions:
SETD1B-related disorder. Also called: SETD1B-related condition.

Allele frequency attached by ClinVar (database versions not stated): 1000 Genomes Project 0.00040; 1000 Genomes Project 30x 0.00187; TOPMed 0.00212; gnomAD 0.00217; gnomAD exomes 0.00378; ExAC 0.00431.
gnomAD v4.1: 5,682 of 1,549,814 alleles (0.37%); highest among the groups gnomAD compares: Non-Finnish European, 0.43%; 22 homozygotes.

Submissions (3):

CeGaT Center for Human Genetics Tuebingen
Classification: Likely benign. Last evaluated: 2026-08-01. Review status: criteria provided, single submitter. Criteria: CeGaT Center For Human Genetics Tuebingen Variant Classification Criteria Version 2. Collection method: clinical testing. Allele origin: germline. Affected: yes. Observed: 23 variant alleles.
Comment: SETD1B: BS2

Blueprint Genetics
Classification: Likely benign. Last evaluated: 2024-11-21. Review status: criteria provided, single submitter. Criteria: ACMG Guidelines, 2015. Collection method: clinical testing. Allele origin: germline.

PreventionGenetics, part of Exact Sciences
Classification: Benign for SETD1B-related condition. Last evaluated: 2024-08-09. Review status: no assertion criteria provided. Collection method: clinical testing. Allele origin: germline. Not counted in ClinVar's aggregate classification.
Comment: This variant is classified as benign based on ACMG/AMP sequence variant interpretation guidelines (Richards et al. 2015 PMID: 25741868, with internal and published modifications).